The following is an entry in ClinVar:

ClinVar aggregate classification (germline): Uncertain significance (0 of 4 stars; one submission).

Conditions:
Nephronophthisis. Also called: Juvenile Nephronophthisis. Identifiers: Orphanet 655, MedGen C0687120, MONDO:0019005, HP:0000090.

Allele frequency attached by ClinVar (database versions not stated): TOPMed below 0.00001.
gnomAD v4.1: 4 of 1,613,410 alleles (0.00025%); highest among the groups gnomAD compares: African/African-American, 0.0027%; no homozygotes.

Submission:

Sydney Genome Diagnostics, Children's Hospital Westmead
Classification: Uncertain significance for Nephronophthisis. Last evaluated: 2019-08-09. Review status: no assertion criteria provided. Collection method: clinical testing. Allele origin: unknown. Affected: yes. Observed: 1 variant allele, 1 compound heterozygote.
Comment: To our knowledge, this variant has not been previously reported in the literature or any disease specific databases to be a disease causing variant. This variant has been reported in the gnomAD browser with a very low allele frequency of 0.0083% in African subpopulation (2 out of 24,016 alleles). In silico analysis of pathogenicity (through Alamut Visual v2.8.1) is inconclusive regarding this change; PolyPhen2 and Mutation Taster predict it to be likely pathogenic whereas SIFT predicts this variant to be benign. This variant is considered to be a variant of uncertain clinical significance (VOUS) according to the ACMG guidelines (Evidence used: PM2).

NM_001378615.1(CC2D2A):c.2671G>C (p.Glu891Gln)

Genes: CC2D2A (coiled-coil and C2 domain containing 2A; plus strand), FBXL5 (F-box and leucine rich repeat protein 5; minus strand). Cytogenetic location: 4p15.32.
Variant type: single nucleotide variant.
Coding change: c.2671G>C on transcript NM_001378615.1 (MANE Select); coding-DNA position 2671, G replaced by C.
Protein change: p.Glu891Gln; replaces glutamic acid 891 with glutamine.
Molecular consequence: missense variant.
Genome position (GRCh38, 1-based): chr4:15,557,349, G>C. VCF-style: chr4-15557349-G-C. GRCh37 (hg19) VCF-style: chr4-15558972-G-C.
Other names: c.2671G>C, p.Glu891Gln (NM_001080522.2); c.2524G>C, p.Glu842Gln (NM_001378617.1); short protein forms E842Q, E891Q.
Identifiers: ClinVar variation 988101 (VCV000988101.1), dbSNP rs863225178, ClinGen allele CA356412193.
Genomic context (GRCh38, chr4:15,557,349, plus strand): 5'-TTCCGTTTTTTATAGGTTGCTACCAGTGGTGAATCCTATGTCCCTGATTTCTTTAGACTG[G>C]AGCAGCTGCAACAGGAGTTTAACTTTGTTTCAGATCAAGAATTAAATAGATCCAAACGAT-3'
Protein context (NP_001365544.1, residues 881-901): ESYVPDFFRL[Glu891Gln]QLQQEFNFVS